The following is an entry in ClinVar:

ClinVar aggregate classification (germline): Uncertain significance (1 of 4 stars; one submission).

Allele frequency attached by ClinVar (database versions not stated): gnomAD 0.00001.
gnomAD v4.1: 1 of 1,603,296 alleles (0.000062%); highest among the groups gnomAD compares: Non-Finnish European, 0.000085%; no homozygotes.

Submission:

GeneDx
Classification: Uncertain significance. Last evaluated: 2019-09-30. Review status: criteria provided, single submitter. Criteria: GeneDx Variant Classification Process June 2021. Collection method: clinical testing. Allele origin: germline. Affected: yes.
Comment: In silico analysis, which includes protein predictors and evolutionary conservation, supports a deleterious effect; Reported in a patient with Rubinstein-Taybi syndrome in published literature (Sharma et al., 2010); however, additional variants in the CREBBP gene were also identified; This variant is associated with the following publications: (PMID: 20689175)

NM_004380.3(CREBBP):c.5204C>G (p.Thr1735Arg)

Gene: CREBBP (CREB binding protein; minus strand). Cytogenetic location: 16p13.3.
Variant type: single nucleotide variant.
Coding change: c.5204C>G on transcript NM_004380.3 (MANE Select); coding-DNA position 5204, C replaced by G.
Protein change: p.Thr1735Arg; replaces threonine 1735 with arginine.
Molecular consequence: missense variant.
Genome position (GRCh38, 1-based): chr16:3,729,843, G>C on the plus strand (C>G on the coding strand, the complement: CREBBP is on the minus strand). VCF-style: chr16-3729843-G-C. GRCh37 (hg19) VCF-style: chr16-3779844-G-C.
Other names: c.5090C>G, p.Thr1697Arg (NM_001079846.1); short protein forms T1697R, T1735R.
Identifiers: ClinVar variation 1303132 (VCV001303132.2), dbSNP rs1064793090, ClinGen allele CA394557697.